The following is an entry in ClinVar:

ClinVar aggregate classification (germline): Uncertain significance (1 of 4 stars; one submission).

Conditions:
Early Myoclonic Encephalopathy. Identifiers: MedGen C0270855.

Allele frequency attached by ClinVar (database versions not stated): TOPMed below 0.00001; ExAC 0.00002; gnomAD 0.00001.

Submission:

Labcorp Genetics (formerly Invitae), Labcorp
Classification: Uncertain significance for Early Myoclonic Encephalopathy. Last evaluated: 2025-08-22. Review status: criteria provided, single submitter. Criteria: Invitae Variant Classification Sherloc (09022015). Collection method: clinical testing. Allele origin: germline.
Comment: This sequence change replaces valine, which is neutral and non-polar, with isoleucine, which is neutral and non-polar, at codon 171 of the JMJD1C protein (p.Val171Ile). This variant is present in population databases (rs754412264, gnomAD 0.002%). This variant has not been reported in the literature in individuals affected with JMJD1C-related conditions. ClinVar contains an entry for this variant (Variation ID: 1037026). An algorithm developed to predict the effect of missense changes on protein structure and function outputs the following: PolyPhen-2: "Benign". The isoleucine amino acid residue is found in multiple mammalian species, which suggests that this missense change does not adversely affect protein function. In summary, the available evidence is currently insufficient to determine the role of this variant in disease. Therefore, it has been classified as a Variant of Uncertain Significance.

NM_032776.3(JMJD1C):c.511G>A (p.Val171Ile)

Gene: JMJD1C (jumonji domain containing 1C; minus strand). Cytogenetic location: 10q21.3.
Variant type: single nucleotide variant.
Coding change: c.511G>A on transcript NM_032776.3 (MANE Select); coding-DNA position 511, G replaced by A.
Protein change: p.Val171Ile; replaces valine 171 with isoleucine.
Molecular consequence: missense variant. On other transcripts: 5 prime UTR variant (3), intron variant (2).
Genome position (GRCh38, 1-based): chr10:63,219,920, C>T on the plus strand (G>A on the coding strand, the complement: JMJD1C is on the minus strand). VCF-style: chr10-63219920-C-T. GRCh37 (hg19) VCF-style: chr10-64979680-C-T.
Other names: c.-36G>A (NM_001282948.2, NM_001318154.2); c.-358G>A (NM_001318153.2); c.397G>A, p.Val133Ile (NM_001322252.2); c.-104-2589G>A (NM_001322258.2, NM_001322254.2); short protein forms V133I, V171I.
Identifiers: ClinVar variation 1037026 (VCV001037026.8), dbSNP rs754412264, ClinGen allele CA5519017.